The following is an entry in ClinVar:

ClinVar aggregate classification (germline): Conflicting classifications of pathogenicity. Review status: criteria provided, conflicting classifications (1 of 4 stars). 2 submissions from 2 submitters: Uncertain significance (1); Likely benign (1). Last evaluated 2024-10-03.

Allele frequency attached by ClinVar (database versions not stated): TOPMed 0.00003; gnomAD 0.00004 and 0.00005; gnomAD exomes 0.00008 and 0.00010; ExAC 0.00010.
gnomAD v4.1: 112 of 1,579,610 alleles (0.0071%); highest among the groups gnomAD compares: East Asian, 0.19%; no homozygotes.

Submissions (2):

Blueprint Genetics
Classification: Likely benign. Last evaluated: 2024-10-03. Review status: criteria provided, single submitter. Criteria: ACMG Guidelines, 2015. Collection method: clinical testing. Allele origin: germline.

Labcorp Genetics (formerly Invitae), Labcorp
Classification: Uncertain significance. Last evaluated: 2024-09-16. Review status: criteria provided, single submitter. Criteria: Invitae Variant Classification Sherloc (09022015). Collection method: clinical testing. Allele origin: germline.
Comment: This sequence change replaces arginine, which is basic and polar, with glutamine, which is neutral and polar, at codon 512 of the IFT81 protein (p.Arg512Gln). This variant is present in population databases (rs751497110, gnomAD 0.09%). This variant has not been reported in the literature in individuals affected with IFT81-related conditions. ClinVar contains an entry for this variant (Variation ID: 840210). Invitae Evidence Modeling of protein sequence and biophysical properties (such as structural, functional, and spatial information, amino acid conservation, physicochemical variation, residue mobility, and thermodynamic stability) has been performed for this missense variant. However, the output from this modeling did not meet the statistical confidence thresholds required to predict the impact of this variant on IFT81 protein function. In summary, the available evidence is currently insufficient to determine the role of this variant in disease. Therefore, it has been classified as a Variant of Uncertain Significance.

NM_014055.4(IFT81):c.1535G>A (p.Arg512Gln)

Gene: IFT81 (intraflagellar transport 81; plus strand). Cytogenetic location: 12q24.11.
Variant type: single nucleotide variant.
Coding change: c.1535G>A on transcript NM_014055.4 (MANE Select); coding-DNA position 1535, G replaced by A.
Protein change: p.Arg512Gln; replaces arginine 512 with glutamine.
Molecular consequence: missense variant. On other transcripts: non-coding transcript variant (4).
Genome position (GRCh38, 1-based): chr12:110,192,684, G>A. VCF-style: chr12-110192684-G-A. GRCh37 (hg19) VCF-style: chr12-110630489-G-A.
Other names: c.1535G>A, p.Arg512Gln (NM_001143779.2); c.605G>A, p.Arg202Gln (NM_001347947.2, NM_001347948.2); short protein forms R202Q, R512Q.
Identifiers: ClinVar variation 840210 (VCV000840210.7), dbSNP rs751497110, ClinGen allele CA6783391.